The following is an entry in ClinVar:

ClinVar aggregate classification (germline): Uncertain significance (1 of 4 stars; one submission).

gnomAD v4.1: 39 of 1,614,108 alleles (0.0024%); highest among the groups gnomAD compares: African/African-American, 0.004%; no homozygotes.

Submission:

Labcorp Genetics (formerly Invitae), Labcorp
Classification: Uncertain significance. Last evaluated: 2022-04-27. Review status: criteria provided, single submitter. Criteria: Invitae Variant Classification Sherloc (09022015). Collection method: clinical testing. Allele origin: germline.
Comment: This sequence change replaces proline, which is neutral and non-polar, with leucine, which is neutral and non-polar, at codon 350 of the ESPN protein (p.Pro350Leu). This variant is present in population databases (rs143645714, gnomAD 0.004%). This variant has not been reported in the literature in individuals affected with ESPN-related conditions. Algorithms developed to predict the effect of missense changes on protein structure and function output the following: SIFT: "Tolerated"; PolyPhen-2: "Benign"; Align-GVGD: "Class C0". The leucine amino acid residue is found in multiple mammalian species, which suggests that this missense change does not adversely affect protein function. In summary, the available evidence is currently insufficient to determine the role of this variant in disease. Therefore, it has been classified as a Variant of Uncertain Significance.

NM_031475.3(ESPN):c.1049C>T (p.Pro350Leu)

Gene: ESPN (espin; plus strand). Cytogenetic location: 1p36.31.
Variant type: single nucleotide variant.
Coding change: c.1049C>T on transcript NM_031475.3 (MANE Select); coding-DNA position 1049, C replaced by T.
Protein change: p.Pro350Leu; replaces proline 350 with leucine.
Molecular consequence: missense variant.
Genome position (GRCh38, 1-based): chr1:6,444,539, C>T. VCF-style: chr1-6444539-C-T. GRCh37 (hg19) VCF-style: chr1-6504599-C-T.
Other names: c.1049C>T, p.Pro350Leu (NM_001367473.1, NM_001367474.1); short protein forms P350L.
Identifiers: ClinVar variation 1491404 (VCV001491404.6), dbSNP rs143645714, ClinGen allele CA560092.
Genomic context (GRCh38, chr1:6,444,539, plus strand): 5'-AGAGCGTGGAGCACCGCGTGCTTTCCCGGGATCCATCCGCAGAGCTGGAGGCTAAGCAGC[C>T]GGATTCAGGCATGTCCTCACCCAATACCACGGTGTCGGTCCAGCCGCTGAACTTTGACCT-3'
Protein context (NP_113663.2, residues 340-360): DPSAELEAKQ[Pro350Leu]DSGMSSPNTT